The following is an entry in ClinVar:

ClinVar aggregate classification (germline): Uncertain significance (1 of 4 stars; one submission).

Allele frequency attached by ClinVar (database versions not stated): TOPMed below 0.00001; gnomAD 0.00001; gnomAD exomes 0.00001.
gnomAD v4.1: 6 of 1,540,452 alleles (0.00039%); highest among the groups gnomAD compares: African/African-American, 0.0014%; no homozygotes.

Submission:

Labcorp Genetics (formerly Invitae), Labcorp
Classification: Uncertain significance. Last evaluated: 2021-05-28. Review status: criteria provided, single submitter. Criteria: Invitae Variant Classification Sherloc (09022015). Collection method: clinical testing. Allele origin: germline.
Comment: This variant is not present in population databases (ExAC no frequency). This sequence change replaces serine with leucine at codon 338 of the TCF3 protein (p.Ser338Leu). The serine residue is highly conserved and there is a large physicochemical difference between serine and leucine. This variant has not been reported in the literature in individuals with TCF3-related conditions. In summary, the available evidence is currently insufficient to determine the role of this variant in disease. Therefore, it has been classified as a Variant of Uncertain Significance. Algorithms developed to predict the effect of missense changes on protein structure and function are either unavailable or do not agree on the potential impact of this missense change (SIFT: "Not Available"; PolyPhen-2: "Benign"; Align-GVGD: "Not Available").

NM_003200.5(TCF3):c.1013C>T (p.Ser338Leu)

Gene: TCF3 (transcription factor 3; minus strand). Cytogenetic location: 19p13.3.
Variant type: single nucleotide variant.
Coding change: c.1013C>T on transcript NM_003200.5 (MANE Select); coding-DNA position 1013, C replaced by T.
Protein change: p.Ser338Leu; replaces serine 338 with leucine.
Molecular consequence: missense variant.
Genome position (GRCh38, 1-based): chr19:1,621,134, G>A on the plus strand (C>T on the coding strand, the complement: TCF3 is on the minus strand). VCF-style: chr19-1621134-G-A. GRCh37 (hg19) VCF-style: chr19-1621133-G-A.
Other names: c.1013C>T, p.Ser338Leu (NM_001136139.4, NM_001351778.2, NM_001351779.2); short protein forms S338L.
Identifiers: ClinVar variation 1499517 (VCV001499517.8), dbSNP rs1365077546, ClinGen allele CA403054286.